The following is an entry in ClinVar:

ClinVar aggregate classification (germline): Uncertain significance. Review status: criteria provided, multiple submitters, no conflicts (2 of 4 stars). 3 submissions from 3 submitters: Uncertain significance (3). Last evaluated 2024-10-30.

Conditions:
Inborn genetic diseases. Identifiers: MedGen C0950123, MeSH D030342.
Mitochondrial complex I deficiency, nuclear type 32. Also called: Mitochondrial complex 1 deficiency, nuclear type 32. Identifiers: MedGen C4748839, MONDO:0032635, OMIM 618252.

Allele frequency attached by ClinVar (database versions not stated): gnomAD 0.00001; TOPMed 0.00002; gnomAD exomes 0.00003 and 0.00005; ExAC 0.00006.
gnomAD v4.1: 39 of 1,610,098 alleles (0.0024%); highest among the groups gnomAD compares: Middle Eastern, 0.2%; no homozygotes.

Submissions (3):

Labcorp Genetics (formerly Invitae), Labcorp
Classification: Uncertain significance. Last evaluated: 2024-10-30. Review status: criteria provided, single submitter. Criteria: Invitae Variant Classification Sherloc (09022015). Collection method: clinical testing. Allele origin: germline.
Comment: This sequence change replaces glycine, which is neutral and non-polar, with valine, which is neutral and non-polar, at codon 10 of the NDUFB8 protein (p.Gly10Val). This variant is present in population databases (rs747478517, gnomAD 0.009%). This variant has not been reported in the literature in individuals affected with NDUFB8-related conditions. ClinVar contains an entry for this variant (Variation ID: 1514195). An algorithm developed to predict the effect of missense changes on protein structure and function (PolyPhen-2) suggests that this variant is likely to be disruptive. In summary, the available evidence is currently insufficient to determine the role of this variant in disease. Therefore, it has been classified as a Variant of Uncertain Significance.

Ambry Genetics
Classification: Uncertain significance for Inborn genetic diseases. Last evaluated: 2024-03-29. Review status: criteria provided, single submitter. Criteria: Ambry Variant Classification Scheme 2023. Collection method: clinical testing. Allele origin: germline.

Revvity Omics, Revvity
Classification: Uncertain significance for Mitochondrial complex I deficiency, nuclear type 32. Last evaluated: 2020-12-28. Review status: criteria provided, single submitter. Criteria: ACMG Guidelines, 2015. Collection method: clinical testing. Allele origin: germline.

NM_005004.4(NDUFB8):c.29G>T (p.Gly10Val)

Gene: NDUFB8 (NADH:ubiquinone oxidoreductase subunit B8; minus strand). Cytogenetic location: 10q24.31.
Variant type: single nucleotide variant.
Coding change: c.29G>T on transcript NM_005004.4 (MANE Select); coding-DNA position 29, G replaced by T.
Protein change: p.Gly10Val; replaces glycine 10 with valine.
Molecular consequence: missense variant. On other transcripts: intron variant (1).
Genome position (GRCh38, 1-based): chr10:100,529,823, C>A on the plus strand (G>T on the coding strand, the complement: NDUFB8 is on the minus strand). VCF-style: chr10-100529823-C-A. GRCh37 (hg19) VCF-style: chr10-102289580-C-A.
Other names: c.29G>T, p.Gly10Val (NM_001284367.2); c.-9+35G>T (NM_001284368.1); c.29G>T (NM_005004.2); short protein forms G10V.
Identifiers: ClinVar variation 1514195 (VCV001514195.9), dbSNP rs747478517, ClinGen allele CA5650299.